The following is an entry in ClinVar:

ClinVar aggregate classification (germline): Uncertain significance (1 of 4 stars; one submission).

Conditions:
Hereditary cancer-predisposing syndrome. Also called: Neoplastic Syndromes, Hereditary; Tumor predisposition; Hereditary Cancer Syndrome; Hereditary neoplastic syndrome. Identifiers: Orphanet 140162, MedGen C0027672, MeSH D009386, MONDO:0015356.

Allele frequency attached by ClinVar (database versions not stated): gnomAD exomes below 0.00001.
gnomAD v4.1: 1 of 1,614,070 alleles (0.000062%); highest among the groups gnomAD compares: Non-Finnish European, 0.000085%; no homozygotes.

Submission:

Ambry Genetics
Classification: Uncertain significance for Hereditary cancer-predisposing syndrome. Last evaluated: 2021-02-26. Review status: criteria provided, single submitter. Criteria: Ambry Variant Classification Scheme 2023. Collection method: clinical testing. Allele origin: germline.
Comment: The p.D661G variant (also known as c.1982A>G), located in coding exon 12 of the ATM gene, results from an A to G substitution at nucleotide position 1982. The aspartic acid at codon 661 is replaced by glycine, an amino acid with similar properties. This amino acid position is highly conserved in available vertebrate species. In addition, this alteration is predicted to be tolerated by in silico analysis. Since supporting evidence is limited at this time, the clinical significance of this alteration remains unclear.

NM_000051.4(ATM):c.1982A>G (p.Asp661Gly)

Gene: ATM (ATM serine/threonine kinase; plus strand). Cytogenetic location: 11q22.3.
Variant type: single nucleotide variant.
Coding change: c.1982A>G on transcript NM_000051.4 (MANE Select); coding-DNA position 1982, A replaced by G.
Protein change: p.Asp661Gly; replaces aspartic acid 661 with glycine.
Molecular consequence: missense variant.
Genome position (GRCh38, 1-based): chr11:108,253,897, A>G. VCF-style: chr11-108253897-A-G. GRCh37 (hg19) VCF-style: chr11-108124624-A-G.
Other names: c.1982A>G, p.Asp661Gly (NM_001351834.2); short protein forms D661G.
Identifiers: ClinVar variation 1783830 (VCV001783830.2), dbSNP rs1565390124, ClinGen allele CA382536900.